The following is an entry in ClinVar:

ClinVar aggregate classification (germline): Uncertain significance (1 of 4 stars; one submission).

Allele frequency attached by ClinVar (database versions not stated): TOPMed 0.00001.
gnomAD v4.1: 1 of 1,599,924 alleles (0.000063%); highest among the groups gnomAD compares: Admixed American, 0.0017%; no homozygotes.

Submission:

Labcorp Genetics (formerly Invitae), Labcorp
Classification: Uncertain significance. Last evaluated: 2024-10-24. Review status: criteria provided, single submitter. Criteria: Invitae Variant Classification Sherloc (09022015). Collection method: clinical testing. Allele origin: germline.
Comment: This sequence change replaces aspartic acid, which is acidic and polar, with glycine, which is neutral and non-polar, at codon 953 of the LTBP4 protein (p.Asp953Gly). This variant is not present in population databases (gnomAD no frequency). This variant has not been reported in the literature in individuals affected with LTBP4-related conditions. ClinVar contains an entry for this variant (Variation ID: 2160559). Experimental studies and prediction algorithms are not available or were not evaluated, and the functional significance of this variant is currently unknown. In summary, the available evidence is currently insufficient to determine the role of this variant in disease. Therefore, it has been classified as a Variant of Uncertain Significance.

NM_001042545.2(LTBP4):c.2768A>G (p.Asp923Gly)

Gene: LTBP4 (latent transforming growth factor beta binding protein 4; plus strand). Cytogenetic location: 19q13.2.
Variant type: single nucleotide variant.
Coding change: c.2768A>G on transcript NM_001042545.2 (MANE Select); coding-DNA position 2768, A replaced by G.
Protein change: p.Asp923Gly; replaces aspartic acid 923 with glycine.
Molecular consequence: missense variant.
Genome position (GRCh38, 1-based): chr19:40,614,402, A>G. VCF-style: chr19-40614402-A-G. GRCh37 (hg19) VCF-style: chr19-41120308-A-G.
Other names: c.2969A>G, p.Asp990Gly (NM_001042544.1); c.2858A>G, p.Asp953Gly (NM_003573.2); short protein forms D953G, D990G, D923G.
Identifiers: ClinVar variation 2160559 (VCV002160559.4), dbSNP rs916578323, ClinGen allele CA308454883.